The following is an entry in ClinVar:

ClinVar aggregate classification (germline): Uncertain significance. Review status: criteria provided, multiple submitters, no conflicts (2 of 4 stars). 3 submissions from 3 submitters: Uncertain significance (2). 1 of the submissions does not count toward it. Last evaluated 2024-05-01.

Conditions:
Familial dysautonomia. Also called: HSAN III; FD. Identifiers: Orphanet 1764, MedGen C0013364, MONDO:0009131, OMIM 223900. Disease mechanism: loss of function.

Allele frequency attached by ClinVar (database versions not stated): gnomAD 0.00003; gnomAD exomes 0.00005; TOPMed 0.00005; ExAC 0.00006.
gnomAD v4.1: 17 of 1,550,416 alleles (0.0011%); highest among the groups gnomAD compares: East Asian, 0.034%; no homozygotes.

Submissions (3):

Labcorp Genetics (formerly Invitae), Labcorp
Classification: Uncertain significance. Last evaluated: 2024-05-01. Review status: criteria provided, single submitter. Criteria: Invitae Variant Classification Sherloc (09022015). Collection method: clinical testing. Allele origin: germline.
Comment: This sequence change falls in intron 31 of the ELP1 gene. It does not directly change the encoded amino acid sequence of the ELP1 protein. It affects a nucleotide within the consensus splice site. This variant is present in population databases (rs774179813, gnomAD 0.08%). This variant has not been reported in the literature in individuals affected with ELP1-related conditions. ClinVar contains an entry for this variant (Variation ID: 364560). Variants that disrupt the consensus splice site are a relatively common cause of aberrant splicing (PMID: 17576681, 9536098). Algorithms developed to predict the effect of sequence changes on RNA splicing suggest that this variant is not likely to affect RNA splicing. In summary, the available evidence is currently insufficient to determine the role of this variant in disease. Therefore, it has been classified as a Variant of Uncertain Significance.

Illumina Laboratory Services, Illumina
Classification: Uncertain significance for Familial dysautonomia. Last evaluated: 2018-01-12. Review status: criteria provided, single submitter. Criteria: ICSL Variant Classification Criteria 13 December 2019. Collection method: clinical testing. Allele origin: germline.

Natera, Inc.
Classification: Uncertain significance for Familial dysautonomia. Last evaluated: 2020-08-13. Review status: no assertion criteria provided. Collection method: clinical testing. Allele origin: germline. Not counted in ClinVar's aggregate classification.

Literature cited by the submitters: PubMed 17576681 (cited by Labcorp Genetics (formerly Invitae), Labcorp); PubMed 9536098 (cited by Labcorp Genetics (formerly Invitae), Labcorp).

NM_003640.5(ELP1):c.3346+6G>C

Gene: ELP1 (elongator acetyltransferase complex subunit 1; minus strand). Cytogenetic location: 9q31.3.
Variant type: single nucleotide variant.
Coding change: c.3346+6G>C on transcript NM_003640.5 (MANE Select); 6 bases into the intron after coding-DNA position 3346, G replaced by C.
Molecular consequence: intron variant.
Genome position (GRCh38, 1-based): chr9:108,881,699, C>G on the plus strand (G>C on the coding strand, the complement: ELP1 is on the minus strand). VCF-style: chr9-108881699-C-G. GRCh37 (hg19) VCF-style: chr9-111643979-C-G.
Other names: c.3004+6G>C (NM_001318360.2); c.2299+6G>C (NM_001330749.2); c.3346+6G>C (LRG_251t1).
Identifiers: ClinVar variation 364560 (VCV000364560.7), dbSNP rs774179813, ClinGen allele CA5174339.